The following is an entry in ClinVar:

ClinVar aggregate classification (germline): Uncertain significance (1 of 4 stars; one submission).

Conditions:
Epilepsy, familial adult myoclonic, 5 (EPEO5). Also called: CORTICAL MYOCLONIC TREMOR WITH EPILEPSY, FAMILIAL, 5. Identifiers: Orphanet 86814, MedGen C3809374, MONDO:0014167, OMIM 615400.

Submission:

Labcorp Genetics (formerly Invitae), Labcorp
Classification: Uncertain significance for Epilepsy, familial adult myoclonic, 5. Last evaluated: 2024-11-18. Review status: criteria provided, single submitter. Criteria: Invitae Variant Classification Sherloc (09022015). Collection method: clinical testing. Allele origin: germline.
Comment: This sequence change replaces phenylalanine, which is neutral and non-polar, with leucine, which is neutral and non-polar, at codon 549 of the CNTN2 protein (p.Phe549Leu). This variant is not present in population databases (gnomAD no frequency). This variant has not been reported in the literature in individuals affected with CNTN2-related conditions. ClinVar contains an entry for this variant (Variation ID: 1475301). Invitae Evidence Modeling of protein sequence and biophysical properties (such as structural, functional, and spatial information, amino acid conservation, physicochemical variation, residue mobility, and thermodynamic stability) indicates that this missense variant is not expected to disrupt CNTN2 protein function with a negative predictive value of 95%. In summary, the available evidence is currently insufficient to determine the role of this variant in disease. Therefore, it has been classified as a Variant of Uncertain Significance.

NM_005076.5(CNTN2):c.1647C>A (p.Phe549Leu)

Gene: CNTN2 (contactin 2; plus strand). Cytogenetic location: 1q32.1.
Variant type: single nucleotide variant.
Coding change: c.1647C>A on transcript NM_005076.5 (MANE Select); coding-DNA position 1647, C replaced by A.
Protein change: p.Phe549Leu; replaces phenylalanine 549 with leucine.
Molecular consequence: missense variant. On other transcripts: non-coding transcript variant (1).
Genome position (GRCh38, 1-based): chr1:205,065,214, C>A. VCF-style: chr1-205065214-C-A. GRCh37 (hg19) VCF-style: chr1-205034342-C-A.
Other names: c.1647C>A, p.Phe549Leu (NM_001346083.2); short protein forms F549L.
Identifiers: ClinVar variation 1475301 (VCV001475301.8), dbSNP rs2151194902, ClinGen allele CA344375557.